The following is an entry in ClinVar:

NM_014946.4(SPAST):c.811_817del (p.Gly271fs)

Gene: SPAST (spastin; plus strand). Cytogenetic location: 2p22.3.
Variant type: Deletion.
Coding change: c.811_817del on transcript NM_014946.4 (MANE Select); coding-DNA positions 811 to 817, 7 bases deleted (GGTTTAT; older notation c.811_817delGGTTTAT).
Protein change: p.Gly271fs; shifts the reading frame from glycine 271.
Molecular consequence: frameshift variant.
Genome position (GRCh38, 1-based): chr2:32,114,766-32,114,772, GGTTTAT deleted; deleting any 7 consecutive bases within chr2:32,114,765-32,114,772 gives the same sequence; the c. name uses the placement nearest the transcript's 3' end. VCF-style (leftmost placement, unchanged base first): chr2-32114764-GTGGTTTA-G. GRCh37 (hg19) VCF-style: chr2-32339833-GTGGTTTA-G.
Other names: c.808_814del, p.Gly270fs (NM_001363823.2); c.712_718del, p.Gly238fs (NM_001363875.2); c.715_721del, p.Gly239fs (NM_001377959.1, NM_199436.2); c.811_817delGGTTTAT, p.Gly271Profs (NM_014946.3); c.811_817del (NM_014946.3); short protein forms G270fs, G239fs, G238fs, G271fs.
Identifiers: ClinVar variation 2131339 (VCV002131339.5), dbSNP rs2465835399, ClinGen allele CA2580066375.
Genomic context (GRCh38, chr2:32,114,764, plus strand): 5'-AAACAGTTATGAAAACTGGATCTGCAGGCCTTTCAGGCCACCATAGAGCACCTAGTTACA[GTGGTTTA>G]TCCATGGTTTCTGGAGTGAAACAGGGATCTGGTCCTGCTCCTACCACTCATAAGGTATTC-3'

ClinVar aggregate classification (germline): Pathogenic. Review status: criteria provided, multiple submitters, no conflicts (2 of 4 stars). 2 submissions from 2 submitters: Pathogenic (2). Last evaluated 2026-02-13.

Conditions:
Hereditary spastic paraplegia 4. Also called: Familial spastic paraplegia autosomal dominant 2; Spastic paraplegia 4, autosomal dominant; Spastic Paraplegia 4. Identifiers: Orphanet 100985, MedGen C1866855, MONDO:0008438, OMIM 182601.

Submissions (2):

GeneDx
Classification: Pathogenic. Last evaluated: 2026-02-13. Review status: criteria provided, single submitter. Criteria: GeneDx Variant Classification Process June 2021. Collection method: clinical testing. Allele origin: germline.
Comment: Frameshift variant predicted to result in protein truncation or nonsense mediated decay in a gene for which loss of function is a known mechanism of disease; Not observed at significant frequency in large population cohorts (gnomAD); Has not been previously published as pathogenic or benign to our knowledge

Labcorp Genetics (formerly Invitae), Labcorp
Classification: Pathogenic for Hereditary spastic paraplegia 4. Last evaluated: 2025-10-11. Review status: criteria provided, single submitter. Criteria: Invitae Variant Classification Sherloc (09022015). Collection method: clinical testing. Allele origin: germline.
Comment: This sequence change creates a premature translational stop signal (p.Gly271Profs*6) in the SPAST gene. It is expected to result in an absent or disrupted protein product. Loss-of-function variants in SPAST are known to be pathogenic (PMID: 20932283). This variant is not present in population databases (gnomAD no frequency). This variant has not been reported in the literature in individuals affected with SPAST-related conditions. ClinVar contains an entry for this variant (Variation ID: 2131339). Algorithms developed to predict the effect of sequence changes on RNA splicing suggest that this variant may disrupt the consensus splice site. For these reasons, this variant has been classified as Pathogenic.

Literature cited by the submitters: PubMed 20932283 (cited by Labcorp Genetics (formerly Invitae), Labcorp).